The following is an entry in ClinVar:

ClinVar aggregate classification (germline): Pathogenic/Likely pathogenic. Review status: criteria provided, multiple submitters, no conflicts (2 of 4 stars). 2 submissions from 2 submitters: Pathogenic (1); Likely pathogenic (1). Last evaluated 2023-09-30.

Conditions:
Congenital lactic acidosis, Saguenay-Lac-Saint-Jean type (MC4DN5). Also called: MITOCHONDRIAL COMPLEX IV DEFICIENCY, NUCLEAR TYPE 5; CYTOCHROME c OXIDASE DEFICIENCY, FRENCH CANADIAN TYPE; COX DEFICIENCY, FRENCH CANADIAN TYPE. Identifiers: Orphanet 70472, MedGen C1857355, MONDO:0009069, OMIM 220111.

Submissions (2):

Myriad Genetics, Inc.
Classification: Pathogenic for Congenital lactic acidosis, Saguenay-Lac-Saint-Jean type. Last evaluated: 2023-09-30. Review status: criteria provided, single submitter. Criteria: Myriad Autosomal Dominant, Autosomal Recessive and X-Linked Classification Criteria (2023). Collection method: clinical testing. Allele origin: unknown.
Comment: NM_133259.3(LRPPRC):c.245delA(Q82Rfs*6) is expected to be pathogenic in the context of Leigh syndrome, French-Canadian type. This variant is predicted to lead to an abnormal or absent protein product due to the creation of a premature termination codon in LRPPRC, a gene where loss-of-function variants are known to be pathogenic. Please note: this variant was assessed in the context of healthy population screening.

Baylor Genetics
Classification: Likely pathogenic for Congenital lactic acidosis, Saguenay-Lac-Saint-Jean type. Last evaluated: 2023-04-03. Review status: criteria provided, single submitter. Criteria: ACMG Guidelines, 2015. Collection method: clinical testing. Allele origin: unknown.

NM_133259.4(LRPPRC):c.245del (p.Gln82fs)

Gene: LRPPRC (leucine rich pentatricopeptide repeat containing; minus strand). Cytogenetic location: 2p21.
Variant type: Deletion.
Coding change: c.245del on transcript NM_133259.4 (MANE Select); coding-DNA position 245, one base deleted (A; older notation c.245delA).
Protein change: p.Gln82fs; shifts the reading frame from glutamine 82.
Molecular consequence: frameshift variant.
Genome position (GRCh38, 1-based): chr2:43,982,339, T deleted on the plus strand (A on the coding strand, the reverse complement: LRPPRC is on the minus strand). VCF-style (leftmost placement, unchanged base first): chr2-43982338-CT-C. GRCh37 (hg19) VCF-style: chr2-44209477-CT-C.
Other names: short protein forms Q82fs.
Identifiers: ClinVar variation 2676318 (VCV002676318.2), dbSNP rs2466695351, ClinGen allele CA2695200468.